The following is an entry in ClinVar:

ClinVar aggregate classification (germline): Conflicting classifications of pathogenicity. Review status: criteria provided, conflicting classifications (1 of 4 stars). 3 submissions from 3 submitters: Uncertain significance (1); Benign (1); Likely benign (1). Last evaluated 2026-01-24.

Conditions:
Familial isolated congenital asplenia. Also called: ASPLENIA, FAMILIAL; Asplenia, isolated congenital; HYPOSPLENIA, ISOLATED CONGENITAL. Identifiers: Orphanet 101351, MedGen C0685889, MONDO:0010066, OMIM 271400.

Allele frequency attached by ClinVar (database versions not stated): ExAC 0.00001; gnomAD 0.00003; gnomAD exomes 0.00004 and 0.00005; TOPMed 0.00006.
gnomAD v4.1: 25 of 1,599,488 alleles (0.0016%); highest among the groups gnomAD compares: Admixed American, 0.042%; 1 homozygote.

Submissions (3):

Labcorp Genetics (formerly Invitae), Labcorp
Classification: Benign. Last evaluated: 2026-01-24. Review status: criteria provided, single submitter. Criteria: Invitae Variant Classification Sherloc (09022015). Collection method: clinical testing. Allele origin: germline.

Center for Genomics, Ann and Robert H. Lurie Children's Hospital of Chicago
Classification: Uncertain significance for Familial isolated congenital asplenia. Last evaluated: 2021-12-22. Review status: criteria provided, single submitter. Criteria: ACMG Guidelines, 2015. Collection method: clinical testing. Allele origin: germline.
Comment: RPSA NM_002295.5 exon 4 c.498+8T>A: This variant has not been reported in the literature but is present in 14/33482 Latino alleles, including 1 homozygote, in the Genome Aggregation Database. Evolutionary conservation and computational predictive tools for this variant are limited or unavailable. Although this variant occurs in the splice region, computational prediction tools do not suggest that it may alter splicing. However, further studies are needed to understand its impact. In summary, data on this variant is insufficient for disease classification. Therefore, the clinical significance of this variant is uncertain.

Blueprint Genetics
Classification: Likely benign. Last evaluated: 2019-12-16. Review status: criteria provided, single submitter. Criteria: ACMG Guidelines, 2015. Collection method: clinical testing. Allele origin: germline.

NM_002295.6(RPSA):c.498+8T>A

Gene: RPSA (ribosomal protein SA; plus strand). Cytogenetic location: 3p22.1.
Variant type: single nucleotide variant.
Coding change: c.498+8T>A on transcript NM_002295.6 (MANE Select); 8 bases into the intron after coding-DNA position 498, T replaced by A.
Molecular consequence: intron variant.
Genome position (GRCh38, 1-based): chr3:39,411,007, T>A. VCF-style: chr3-39411007-T-A. GRCh37 (hg19) VCF-style: chr3-39452498-T-A.
Other names: c.513+8T>A (NM_001304288.2).
Identifiers: ClinVar variation 626159 (VCV000626159.7), dbSNP rs754699583, ClinGen allele CA2327788.